The following is an entry in ClinVar:

NM_001101426.4(CRPPA):c.*60G>A

Gene: CRPPA (CDP-L-ribitol pyrophosphorylase A; minus strand). Cytogenetic location: 7p21.2.
Variant type: single nucleotide variant.
Coding change: c.*60G>A on transcript NM_001101426.4 (MANE Select); 60 bases downstream of the stop codon, G replaced by A.
Molecular consequence: 3 prime UTR variant. On other transcripts: non-coding transcript variant (1).
Genome position (GRCh38, 1-based): chr7:16,091,635, C>T on the plus strand (G>A on the coding strand, the complement: CRPPA is on the minus strand). VCF-style: chr7-16091635-C-T. GRCh37 (hg19) VCF-style: chr7-16131260-C-T.
Other names: c.*60G>A (NM_001101417.4, NM_001368197.1).
Identifiers: ClinVar variation 359582 (VCV000359582.8), dbSNP rs1528137, ClinGen allele CA10628666.

ClinVar aggregate classification (germline): Benign. Review status: criteria provided, multiple submitters, no conflicts (2 of 4 stars). 2 submissions from 2 submitters: Benign (2). Last evaluated 2018-06-14.

Conditions:
Congenital Muscular Dystrophy, alpha-dystroglycan related.

Allele frequency attached by ClinVar (database versions not stated): 1000 Genomes Project 30x 0.78935; TOPMed 0.79348; gnomAD 0.79538 and 0.80093; 1000 Genomes Project 0.79633.
gnomAD v4.1: 783,739 of 927,098 alleles (85%); highest among the groups gnomAD compares: Admixed American, 91%; 333,330 homozygotes.

Submissions (2):

GeneDx
Classification: Benign. Last evaluated: 2018-06-14. Review status: criteria provided, single submitter. Criteria: GeneDx Variant Classification Process June 2021. Collection method: clinical testing. Allele origin: germline. Affected: yes.

Illumina Laboratory Services, Illumina
Classification: Benign for Congenital Muscular Dystrophy, alpha-dystroglycan related. Last evaluated: 2018-01-12. Review status: criteria provided, single submitter. Criteria: ICSL Variant Classification Criteria 13 December 2019. Collection method: clinical testing. Allele origin: germline.
Comment: This variant was observed in the ICSL laboratory as part of a predisposition screen in an ostensibly healthy population. It had not been previously curated by ICSL or reported in the Human Gene Mutation Database (HGMD: prior to June 1st, 2018), and was therefore a candidate for classification through an automated scoring system. Utilizing variant allele frequency, disease prevalence and penetrance estimates, and inheritance mode, an automated score was calculated to assess if this variant is too frequent to cause the disease. Based on the score and internal cut-off values, a variant classified as benign is not then subjected to further curation. The score for this variant resulted in a classification of benign for this disease.